The following is an entry in ClinVar:

NM_001387025.1(GRAMD1B):c.2286C>T (p.Ser762=)

Gene: GRAMD1B (GRAM domain containing 1B; plus strand). Cytogenetic location: 11q24.1.
Variant type: single nucleotide variant.
Coding change: c.2286C>T on transcript NM_001387025.1 (MANE Select); coding-DNA position 2286, C replaced by T.
Protein change: p.Ser762=; no amino-acid change (serine 762 retained).
Molecular consequence: synonymous variant.
Genome position (GRCh38, 1-based): chr11:123,614,803, C>T. VCF-style: chr11-123614803-C-T. GRCh37 (hg19) VCF-style: chr11-123485511-C-T.
Other names: c.1878C>T, p.Ser626= (NM_001286563.3); c.1737C>T, p.Ser579= (NM_001286564.3, NM_001330396.3, NM_001387030.1 and 5 more transcripts); c.1938C>T, p.Ser646= (NM_001367418.2, NM_001367419.2, NM_001367420.2); c.2154C>T, p.Ser718= (NM_001367421.2); c.2286C>T, p.Ser762= (NM_001387024.1); c.2283C>T, p.Ser761= (NM_001387026.1); c.1857C>T, p.Ser619= (NM_001387028.1, NM_001387029.1, NM_020716.4).
Identifiers: ClinVar variation 3035458 (VCV003035458.2), dbSNP rs374118769, ClinGen allele CA6333840.

ClinVar aggregate classification (germline): Likely benign (0 of 4 stars; one submission).

Conditions:
GRAMD1B-related disorder. Also called: GRAMD1B-related condition.

Allele frequency attached by ClinVar (database versions not stated): gnomAD exomes 0.00004; ExAC 0.00011; ESP Exome Variant Server 0.00016; TOPMed 0.00028; 1000 Genomes Project 0.00040; 1000 Genomes Project 30x 0.00047.
gnomAD v4.1: 100 of 1,610,962 alleles (0.0062%); highest among the groups gnomAD compares: African/African-American, 0.096%; no homozygotes.

Submission:

PreventionGenetics, part of Exact Sciences
Classification: Likely benign for GRAMD1B-related condition. Last evaluated: 2019-02-19. Review status: no assertion criteria provided. Collection method: clinical testing. Allele origin: germline.
Comment: This variant is classified as likely benign based on ACMG/AMP sequence variant interpretation guidelines (Richards et al. 2015 PMID: 25741868, with internal and published modifications).